The following is an entry in ClinVar:

ClinVar aggregate classification (germline): Uncertain significance (1 of 4 stars; one submission).

Submission:

CeGaT Center for Human Genetics Tuebingen
Classification: Uncertain significance. Last evaluated: 2024-12-01. Review status: criteria provided, single submitter. Criteria: CeGaT Center For Human Genetics Tuebingen Variant Classification Criteria Version 2. Collection method: clinical testing. Allele origin: germline. Affected: yes. Observed: 1 variant allele.
Comment: SHANK3: PM2

NM_001372044.2(SHANK3):c.113G>A (p.Ser38Asn)

Gene: SHANK3 (SH3 and multiple ankyrin repeat domains 3; plus strand). Cytogenetic location: 22q13.33.
Variant type: single nucleotide variant.
Coding change: c.113G>A on transcript NM_001372044.2 (MANE Select); coding-DNA position 113, G replaced by A.
Protein change: p.Ser38Asn; replaces serine 38 with asparagine.
Molecular consequence: missense variant.
Genome position (GRCh38, 1-based): chr22:50,674,527, G>A. VCF-style: chr22-50674527-G-A. GRCh37 (hg19) VCF-style: chr22-51112955-G-A.
Other names: short protein forms S38N.
Identifiers: ClinVar variation 3390193 (VCV003390193.14).